The following is an entry in ClinVar:

NM_004714.3(DYRK1B):c.14C>A (p.Pro5Gln)

Gene: DYRK1B (dual specificity tyrosine phosphorylation regulated kinase 1B; minus strand). Cytogenetic location: 19q13.2.
Variant type: single nucleotide variant.
Coding change: c.14C>A on transcript NM_004714.3 (MANE Select); coding-DNA position 14, C replaced by A.
Protein change: p.Pro5Gln; replaces proline 5 with glutamine.
Molecular consequence: missense variant.
Genome position (GRCh38, 1-based): chr19:39,831,854, G>T on the plus strand (C>A on the coding strand, the complement: DYRK1B is on the minus strand). VCF-style: chr19-39831854-G-T. GRCh37 (hg19) VCF-style: chr19-40322494-G-T.
Other names: c.14C>A, p.Pro5Gln (NM_006483.3, NM_006484.3); c.14C>A (NM_004714.2); short protein forms P5Q.
Identifiers: ClinVar variation 2206370 (VCV002206370.3), dbSNP rs563920364, ClinGen allele CA9434468.

ClinVar aggregate classification (germline): Uncertain significance. Review status: criteria provided, single submitter (1 of 4 stars). 2 submissions from 2 submitters: Uncertain significance (1). 1 of the submissions does not count toward it. Last evaluated 2022-05-31.

Conditions:
DYRK1B-related disorder. Also called: DYRK1B-related condition.
Inborn genetic diseases. Identifiers: MedGen C0950123, MeSH D030342.

Allele frequency attached by ClinVar (database versions not stated): 1000 Genomes Project 30x 0.00016; 1000 Genomes Project 0.00020.
gnomAD v4.1: 9 of 1,524,650 alleles (0.00059%); highest among the groups gnomAD compares: Admixed American, 0.01%; no homozygotes.

Submissions (2):

Ambry Genetics
Classification: Uncertain significance for Inborn genetic diseases. Last evaluated: 2022-05-31. Review status: criteria provided, single submitter. Criteria: Ambry Variant Classification Scheme 2023. Collection method: clinical testing. Allele origin: germline.

PreventionGenetics, part of Exact Sciences
Classification: Uncertain significance for DYRK1B-related condition. Last evaluated: 2024-06-28. Review status: no assertion criteria provided. Collection method: clinical testing. Allele origin: germline. Not counted in ClinVar's aggregate classification.
Comment: The DYRK1B c.14C>A variant is predicted to result in the amino acid substitution p.Pro5Gln. To our knowledge, this variant has not been reported in the literature. A variant impacting the same amino acid position (c.14C>T; p.Pro5Leu) has been reported in a patient with obesity (Folon et al 2024. PubMed ID: 38170957). This variant is reported in 0.0049% of alleles in individuals of Latino descent in gnomAD. At this time, the clinical significance of this variant is uncertain due to the absence of conclusive functional and genetic evidence.